The following is an entry in ClinVar:

NM_001374828.1(ARID1B):c.6823C>G (p.Gln2275Glu)

Gene: ARID1B (AT-rich interaction domain 1B; plus strand). Cytogenetic location: 6q25.3.
Variant type: single nucleotide variant.
Coding change: c.6823C>G on transcript NM_001374828.1 (MANE Select); coding-DNA position 6823, C replaced by G.
Protein change: p.Gln2275Glu; replaces glutamine 2275 with glutamic acid.
Molecular consequence: missense variant.
Genome position (GRCh38, 1-based): chr6:157,207,595, C>G. VCF-style: chr6-157207595-C-G. GRCh37 (hg19) VCF-style: chr6-157528729-C-G.
Other names: c.4324C>G, p.Gln1442Glu (NM_001363725.2); c.6703C>G, p.Gln2235Glu (NM_001371656.1, NM_001374820.1); c.6664C>G, p.Gln2222Glu (NM_017519.3); c.6454C>G (NM_020732.3); short protein forms Q1442E, Q2222E, Q2235E, Q2275E.
Identifiers: ClinVar variation 3367985 (VCV003367985.2).

ClinVar aggregate classification (germline): Uncertain significance (1 of 4 stars; one submission).

Submission:

GeneDx
Classification: Uncertain significance. Last evaluated: 2025-01-03. Review status: criteria provided, single submitter. Criteria: GeneDx Variant Classification Process June 2021. Collection method: clinical testing. Allele origin: germline.
Comment: Not observed at significant frequency in large population cohorts (gnomAD); In silico analysis supports that this missense variant has a deleterious effect on protein structure/function; Has not been previously published as pathogenic or benign to our knowledge